The following is an entry in ClinVar:

ClinVar aggregate classification (germline): Uncertain significance (1 of 4 stars; one submission).

Submission:

GeneDx
Classification: Uncertain significance. Last evaluated: 2026-01-29. Review status: criteria provided, single submitter. Criteria: GeneDx Variant Classification Process June 2021. Collection method: clinical testing. Allele origin: germline.
Comment: Not observed at significant frequency in large population cohorts (gnomAD); Nonsense variant predicted to result in protein truncation as the last 4 amino acid(s) are lost; Has not been previously published as pathogenic or benign to our knowledge

NM_006593.4(TBR1):c.2037C>G (p.Tyr679Ter)

Gene: TBR1 (T-box brain transcription factor 1; plus strand). Cytogenetic location: 2q24.2.
Variant type: single nucleotide variant.
Coding change: c.2037C>G on transcript NM_006593.4 (MANE Select); coding-DNA position 2037, C replaced by G.
Protein change: p.Tyr679Ter; replaces tyrosine 679 with a stop codon.
Molecular consequence: nonsense.
Genome position (GRCh38, 1-based): chr2:161,424,215, C>G. VCF-style: chr2-161424215-C-G. GRCh37 (hg19) VCF-style: chr2-162280726-C-G.
Other names: short protein forms Y679*.
Identifiers: ClinVar variation 3769877 (VCV003769877.2).
Genomic context (GRCh38, chr2:161,424,215, plus strand): 5'-GGCCCAGCGGGACTGCGAGAAGAACTGCGCCAAGGACATTAGCGGCTACTATGGCTTCTA[C>G]TCGCACAGCTAGGCCGCCCCTGCCCGCCCGGCCCCGCCGCGGCCCGGACCCCCAGCCAGC-3'